The following is an entry in ClinVar:

NM_016284.5(CNOT1):c.6611A>T (p.Asn2204Ile)

Gene: CNOT1 (CCR4-NOT transcription complex subunit 1; minus strand). Cytogenetic location: 16q21.
Variant type: single nucleotide variant.
Coding change: c.6611A>T on transcript NM_016284.5 (MANE Select); coding-DNA position 6611, A replaced by T.
Protein change: p.Asn2204Ile; replaces asparagine 2204 with isoleucine.
Molecular consequence: missense variant. On other transcripts: non-coding transcript variant (1).
Genome position (GRCh38, 1-based): chr16:58,525,352, T>A on the plus strand (A>T on the coding strand, the complement: CNOT1 is on the minus strand). VCF-style: chr16-58525352-T-A. GRCh37 (hg19) VCF-style: chr16-58559256-T-A.
Other names: c.6596A>T, p.Asn2199Ile (NM_001265612.2); short protein forms N2199I, N2204I.
Identifiers: ClinVar variation 3364759 (VCV003364759.1).

ClinVar aggregate classification (germline): Uncertain significance (1 of 4 stars; one submission).

gnomAD v4.1: 1 of 1,613,102 alleles (0.000062%); highest among the groups gnomAD compares: Non-Finnish European, 0.000085%; no homozygotes.

Submission:

GeneDx
Classification: Uncertain significance. Last evaluated: 2023-11-22. Review status: criteria provided, single submitter. Criteria: GeneDx Variant Classification Process June 2021. Collection method: clinical testing. Allele origin: germline. Affected: yes.
Comment: Not observed at significant frequency in large population cohorts (gnomAD); In silico analysis supports that this missense variant has a deleterious effect on protein structure/function; Has not been previously published as pathogenic or benign to our knowledge